The following is an entry in ClinVar:

ClinVar aggregate classification (germline): Uncertain significance. Review status: criteria provided, multiple submitters, no conflicts (2 of 4 stars). 3 submissions from 3 submitters: Uncertain significance (3). Last evaluated 2022-10-01.

Conditions:
Intellectual developmental disorder, X-linked, syndromic, Billuart type. Also called: X-linked intellectual disability-cerebellar hypoplasia syndrome; MENTAL RETARDATION, X-LINKED 60. Identifiers: Orphanet 137831, MedGen C1845366, MONDO:0010337, OMIM 300486.

Allele frequency attached by ClinVar (database versions not stated): TOPMed 0.00001; ESP Exome Variant Server 0.00009; gnomAD exomes 0.00001.
gnomAD v4.1: 14 of 1,211,829 alleles (0.0012%); highest among the groups gnomAD compares: Middle Eastern, 0.046%; no homozygotes.

Submissions (3):

CeGaT Center for Human Genetics Tuebingen
Classification: Uncertain significance. Last evaluated: 2022-10-01. Review status: criteria provided, single submitter. Criteria: CeGaT Center For Human Genetics Tuebingen Variant Classification Criteria Version 2. Collection method: clinical testing. Allele origin: germline. Affected: yes. Observed: 2 variant alleles.

Labcorp Genetics (formerly Invitae), Labcorp
Classification: Uncertain significance. Last evaluated: 2022-04-26. Review status: criteria provided, single submitter. Criteria: Invitae Variant Classification Sherloc (09022015). Collection method: clinical testing. Allele origin: germline.
Comment: In summary, the available evidence is currently insufficient to determine the role of this variant in disease. Therefore, it has been classified as a Variant of Uncertain Significance. Algorithms developed to predict the effect of sequence changes on RNA splicing suggest that this variant may create or strengthen a splice site. Algorithms developed to predict the effect of missense changes on protein structure and function (SIFT, PolyPhen-2, Align-GVGD) all suggest that this variant is likely to be tolerated. ClinVar contains an entry for this variant (Variation ID: 872373). This variant has not been reported in the literature in individuals affected with OPHN1-related conditions. This variant is present in population databases (rs367993068, gnomAD 0.001%), including at least one homozygous and/or hemizygous individual. This sequence change replaces methionine, which is neutral and non-polar, with valine, which is neutral and non-polar, at codon 50 of the OPHN1 protein (p.Met50Val).

Revvity Omics, Revvity
Classification: Uncertain significance for Intellectual developmental disorder, X-linked, syndromic, Billuart type. Last evaluated: 2020-12-20. Review status: criteria provided, single submitter. Criteria: ACMG Guidelines, 2015. Collection method: clinical testing. Allele origin: germline.

NM_002547.3(OPHN1):c.148A>G (p.Met50Val)

Gene: OPHN1 (oligophrenin 1; minus strand). Cytogenetic location: Xq12.
Variant type: single nucleotide variant.
Coding change: c.148A>G on transcript NM_002547.3 (MANE Select); coding-DNA position 148, A replaced by G.
Protein change: p.Met50Val; replaces methionine 50 with valine.
Molecular consequence: missense variant.
Genome position (GRCh38, 1-based): chrX:68,432,873, T>C on the plus strand (A>G on the coding strand, the complement: OPHN1 is on the minus strand). VCF-style: chrX-68432873-T-C. GRCh37 (hg19) VCF-style: chrX-67652715-T-C.
Other names: c.148A>G (NM_002547.2); short protein forms M50V.
Identifiers: ClinVar variation 872373 (VCV000872373.49), dbSNP rs367993068, ClinGen allele CA330835091.
Genomic context (GRCh38, chrX:68,432,873, plus strand): 5'-TAAAGGCCAGACACACCAGCTCAGAGAAACAGCTCATCGAAGCCTTGCACTTACTTCTCA[T>C]AGCGCTGATAAGCGCGTTGCCGTCTTTGATTACGTCTTTGATGAATTTGTTGGTCCTCTC-3'
Protein context (NP_002538.1, residues 40-60): IKDGNALISA[Met50Val]RNYSSAVQKF